The following is an entry in ClinVar:

NM_005045.4(RELN):c.226+9del

Gene: RELN (reelin; minus strand). Cytogenetic location: 7q22.1.
Variant type: Deletion.
Coding change: c.226+9del on transcript NM_005045.4 (MANE Select); 9 bases into the intron after coding-DNA position 226, one base deleted (C; older notation c.226+9delC).
Molecular consequence: intron variant.
Genome position (GRCh38, 1-based): chr7:103,989,122, G deleted on the plus strand (C on the coding strand, the reverse complement: RELN is on the minus strand); the first of 2 consecutive G bases (chr7:103,989,122-103,989,123); deleting either gives the same sequence. VCF-style (leftmost placement, unchanged base first): chr7-103989121-CG-C. GRCh37 (hg19) VCF-style: chr7-103629568-CG-C.
Other names: c.226+9del (NM_173054.3).
Identifiers: ClinVar variation 1035513 (VCV001035513.8), dbSNP rs753152149, ClinGen allele CA4422689.

ClinVar aggregate classification (germline): Uncertain significance (1 of 4 stars; one submission).

Conditions:
Norman-Roberts syndrome (LIS2). Also called: Lissencephaly 2 (Norman-Roberts type). Identifiers: Orphanet 89844, MedGen C0796089, MONDO:0009760, OMIM 257320.
Familial temporal lobe epilepsy 7. Identifiers: Orphanet 101046, MedGen C4225327, MONDO:0014639, OMIM 616436.

Submission:

Labcorp Genetics (formerly Invitae), Labcorp
Classification: Uncertain significance for Familial temporal lobe epilepsy 7; Norman-Roberts syndrome. Last evaluated: 2020-07-08. Review status: criteria provided, single submitter. Criteria: Invitae Variant Classification Sherloc (09022015). Collection method: clinical testing. Allele origin: germline.
Comment: In summary, the available evidence is currently insufficient to determine the role of this variant in disease. Therefore, it has been classified as a Variant of Uncertain Significance. Algorithms developed to predict the effect of sequence changes on RNA splicing suggest that this variant may create or strengthen a splice site, but this prediction has not been confirmed by published transcriptional studies. This variant has not been reported in the literature in individuals with RELN-related conditions. The frequency data for this variant in the population databases is considered unreliable, as metrics indicate poor data quality at this position in the ExAC database. This sequence change falls in intron 1 of the RELN gene. It does not directly change the encoded amino acid sequence of the RELN protein.